The following is an entry in ClinVar:

ClinVar aggregate classification (germline): Likely pathogenic. Review status: criteria provided, multiple submitters, no conflicts (2 of 4 stars). 2 submissions from 2 submitters: Likely pathogenic (2). Last evaluated 2025-07-16.

Conditions:
Hereditary cancer-predisposing syndrome. Also called: Neoplastic Syndromes, Hereditary; Hereditary Cancer Syndrome; Tumor predisposition; Hereditary neoplastic syndrome. Identifiers: Orphanet 140162, MedGen C0027672, MeSH D009386, MONDO:0015356.
Rhabdoid tumor predisposition syndrome 2 (RTPS2). Identifiers: Orphanet 231108, Orphanet 69077, MedGen C2750074, MONDO:0013224, OMIM 613325.

Submissions (2):

Ambry Genetics
Classification: Likely pathogenic for Hereditary cancer-predisposing syndrome. Last evaluated: 2025-07-16. Review status: criteria provided, single submitter. Criteria: Ambry Variant Classification Scheme 2023. Collection method: clinical testing. Allele origin: germline.
Comment: The c.1943+1G>A intronic variant results from a G to A substitution one nucleotide after coding exon 11 of the SMARCA4 gene. This nucleotide position is highly conserved in available vertebrate species. In silico splice site analysis predicts that this alteration will weaken the native splice donor site and will result in the creation or strengthening of a novel splice donor site. This variant is considered to be rare based on population cohorts in the Genome Aggregation Database (gnomAD). Alterations that disrupt the canonical splice site are expected to cause aberrant splicing, resulting in an abnormal protein or a transcript that is subject to nonsense-mediated mRNA decay. Loss-of-function variants in SMARCA4 are known to cause rhabdoid tumor predisposition syndrome including small cell carcinoma of the ovary-hypercalcemic type (SCCOHT); however, such associations with neurodevelopmental disorders are exceedingly rare (Kosho T et al. Am J Med Genet C Semin Med Genet. 2014 Sep;166C(3):262-75; Jelinic P et al. Nat Genet. 2014 May;46(5):424-6). Based on the supporting evidence, this alteration is likely pathogenic for rhabdoid tumor predisposition syndrome; however, the association of this alteration with Coffin-Siris syndrome is unlikely.

Labcorp Genetics (formerly Invitae), Labcorp
Classification: Likely pathogenic for Rhabdoid tumor predisposition syndrome 2. Last evaluated: 2019-05-10. Review status: criteria provided, single submitter. Criteria: Invitae Variant Classification Sherloc (09022015). Collection method: clinical testing. Allele origin: germline.
Comment: Donor and acceptor splice site variants typically lead to a loss of protein function (PMID: 16199547), and loss-of-function variants in SMARCA4 are known to be pathogenic (PMID: 24658001, 24658002). This sequence change affects a donor splice site in intron 12 of the SMARCA4 gene. It is expected to disrupt RNA splicing and likely results in an absent or disrupted protein product. This variant is not present in population databases (ExAC no frequency). This variant has not been reported in the literature in individuals with SMARCA4-related conditions. In summary, the currently available evidence indicates that the variant is pathogenic, but additional data are needed to prove that conclusively. Therefore, this variant has been classified as Likely Pathogenic.

Literature cited by the submitters: PubMed 16199547 (cited by Labcorp Genetics (formerly Invitae), Labcorp); PubMed 24658001 (cited by Labcorp Genetics (formerly Invitae), Labcorp); PubMed 24658002 (cited by Labcorp Genetics (formerly Invitae), Labcorp).

NM_003072.5(SMARCA4):c.1943+1G>A

Gene: SMARCA4 (SWI/SNF related BAF chromatin remodeling complex subunit ATPase 4; plus strand). Cytogenetic location: 19p13.2.
Variant type: single nucleotide variant.
Coding change: c.1943+1G>A on transcript NM_003072.5 (MANE Select); the canonical splice donor site of the intron after coding-DNA position 1943, G replaced by A.
Molecular consequence: splice donor variant.
Genome position (GRCh38, 1-based): chr19:11,003,160, G>A. VCF-style: chr19-11003160-G-A. GRCh37 (hg19) VCF-style: chr19-11113836-G-A.
Other names: c.1943+1G>A (NM_001128844.3, NM_001128849.3, NM_001128847.4 and 6 more transcripts).
Identifiers: ClinVar variation 854443 (VCV000854443.9), dbSNP rs2087817491, ClinGen allele CA404051733.
Genomic context (GRCh38, chr19:11,003,160, plus strand): 5'-CACAGGCACAGATGCCCCCAAAGCCGGGCAGCTGGAGGCCTGGCTCGAGATGAACCCGGG[G>A]TGAGTTGGGCCTTGCATTCCAGATGCAGTGGGGATCCAAGTCCTCGGTGGGCCTTGTTCC-3'